The following is an entry in ClinVar:

NM_000303.3(PMM2):c.385G>T (p.Val129Leu)

Gene: PMM2 (phosphomannomutase 2; plus strand). Cytogenetic location: 16p13.2.
Variant type: single nucleotide variant.
Coding change: c.385G>T on transcript NM_000303.3 (MANE Select); coding-DNA position 385, G replaced by T.
Protein change: p.Val129Leu; replaces valine 129 with leucine.
Molecular consequence: missense variant.
Genome position (GRCh38, 1-based): chr16:8,811,116, G>T. VCF-style: chr16-8811116-G-T. GRCh37 (hg19) VCF-style: chr16-8904973-G-T.
Other names: c.385G>T (NM_000303.2); short protein forms V129L.
Identifiers: ClinVar variation 1068915 (VCV001068915.12), dbSNP rs104894525, ClinGen allele CA394696572.

ClinVar aggregate classification (germline): Pathogenic/Likely pathogenic. Review status: criteria provided, multiple submitters, no conflicts (2 of 4 stars). 3 submissions from 3 submitters: Pathogenic (1); Likely pathogenic (1). 1 of the submissions does not count toward it. Last evaluated 2024-11-15.

Conditions:
PMM2-congenital disorder of glycosylation. Also called: PMM2-CDG; JAEKEN SYNDROME; PHOSPHOMANNOMUTASE 2 DEFICIENCY; CARBOHYDRATE-DEFICIENT GLYCOPROTEIN SYNDROME, TYPE Ia; Congenital disorder of glycosylation, type Ia; CDG Ia. Identifiers: Orphanet 79318, MedGen C0349653, MONDO:0008907, OMIM 212065.
PMM2-related disorder. Also called: PMM2-related condition.

gnomAD v4.1: 2 of 1,577,100 alleles (0.00013%); highest among the groups gnomAD compares: South Asian, 0.0011%; no homozygotes.

Submissions (3):

Women's Health and Genetics/Laboratory Corporation of America, LabCorp
Classification: Likely pathogenic for PMM2-congenital disorder of glycosylation. Last evaluated: 2024-11-15. Review status: criteria provided, single submitter. Criteria: LabCorp Variant Classification Summary - May 2015. Collection method: clinical testing. Allele origin: germline.
Comment: Variant summary: PMM2 c.385G>T (p.Val129Leu) results in a conservative amino acid change in the encoded protein sequence. Three of five in-silico tools predict a benign effect of the variant on protein function. The variant allele was found at a frequency of 5e-06 in 199802 control chromosomes. c.385G>T has been reported in the literature in compound heterozygous individuals affected with Congenital Disorder Of Glycosylation Type 1a (Wurm_2007). These data indicate that the variant may be associated with disease. A different variant affecting the same codon has been classified as pathogenic by our lab (c.385G>A, p.Val129Met), supporting the critical relevance of codon 129 to PMM2 protein function. To our knowledge, no experimental evidence demonstrating an impact on protein function has been reported. The following publication has been ascertained in the context of this evaluation (PMID: 16941129). ClinVar contains an entry for this variant (Variation ID: 1068915). Based on the evidence outlined above, the variant was classified as likely pathogenic.

Labcorp Genetics (formerly Invitae), Labcorp
Classification: Pathogenic for PMM2-congenital disorder of glycosylation. Last evaluated: 2020-03-28. Review status: criteria provided, single submitter. Criteria: Invitae Variant Classification Sherloc (09022015). Collection method: clinical testing. Allele origin: germline.
Comment: For these reasons, this variant has been classified as Pathogenic. This variant disrupts the p.Val129 amino acid residue in PMM2. Other variant(s) that disrupt this residue have been determined to be pathogenic (PMID: 18629883, 18948042, 9140401). This suggests that this residue is clinically significant, and that variants that disrupt this residue are likely to be disease-causing. Algorithms developed to predict the effect of missense changes on protein structure and function (SIFT, PolyPhen-2, Align-GVGD) all suggest that this variant is likely to be tolerated, but these predictions have not been confirmed by published functional studies and their clinical significance is uncertain. This variant has been observed in individual(s) with congenital disorder of glycosylation type 1a (CDG1a)(PMID: 16941129). In at least one individual the data is consistent with the variant being in trans (on the opposite chromosome) from a pathogenic variant. It has also been observed to segregate with disease in related individuals. This variant is not present in population databases (ExAC no frequency). This sequence change replaces valine with leucine at codon 129 of the PMM2 protein (p.Val129Leu). The valine residue is highly conserved and there is a small physicochemical difference between valine and leucine.

PreventionGenetics, part of Exact Sciences
Classification: Likely pathogenic for PMM2-related condition. Last evaluated: 2023-10-23. Review status: no assertion criteria provided. Collection method: clinical testing. Allele origin: germline. Not counted in ClinVar's aggregate classification.
Comment: The PMM2 c.385G>T variant is predicted to result in the amino acid substitution p.Val129Leu. This variant was reported in two compound heterozygous siblings with congenital disorder of glycosylation 1a (CDG1a) (Wurm et al 2007. PubMed ID: 16941129). A different missense change affecting the same amino acid residue (p.Val129Met) has been reported as pathogenic for CDG1a by multiple sources (Barone et al. 2008. PubMed ID: 18629883; Pérez-Dueñas et al. 2008. PubMed ID: 18948042; Matthijs et al. 1997. PubMed ID: 9140401). This variant is reported in 0.0038% of alleles in individuals of South Asian descent in gnomAD. This variant is interpreted as likely pathogenic.

Literature cited by the submitters: PubMed 16941129 (cited by Women's Health and Genetics/Laboratory Corporation of America, LabCorp and Labcorp Genetics (formerly Invitae), Labcorp); PubMed 18629883 (cited by Labcorp Genetics (formerly Invitae), Labcorp); PubMed 18948042 (cited by Labcorp Genetics (formerly Invitae), Labcorp); PubMed 9140401 (cited by Labcorp Genetics (formerly Invitae), Labcorp).